The following is an entry in ClinVar:

ClinVar aggregate classification (germline): Pathogenic. Review status: criteria provided, multiple submitters, no conflicts (2 of 4 stars). 5 submissions from 5 submitters: Pathogenic (5). Last evaluated 2026-01-26.

Conditions:
Glycogen storage disease type III (GSD3). Also called: Cori disease; FORBES DISEASE. Identifiers: Orphanet 366, MedGen C0017922, MONDO:0009291, OMIM 232400.

Allele frequency attached by ClinVar (database versions not stated): gnomAD exomes below 0.00001; ExAC 0.00001.
gnomAD v4.1: 6 of 1,613,998 alleles (0.00037%); highest among the groups gnomAD compares: Non-Finnish European, 0.00051%; no homozygotes.

Submissions (5):

Natera, Inc.
Classification: Pathogenic for Glycogen storage disease type III. Last evaluated: 2026-01-26. Review status: criteria provided, single submitter. Criteria: Natera Variant Classification Schema (03/2026). Collection method: clinical testing. Allele origin: germline.
Comment: The c.3444C>A variant in AGL is a nonsense variant predicted to introduce a stop codon at amino acid 1148. This variant is expected to result in nonsense mediated decay, truncation, or a dysfunctional protein product. This variant is rare in the general population with a frequency below the threshold expected for the associated phenotype(s). This variant has been observed in one or more individuals affected with the associated recessive disease, as either homozygous or compound heterozygous with a second variant (PMID: 26913919). Given the available evidence, this variant is classified as Pathogenic.

Labcorp Genetics (formerly Invitae), Labcorp
Classification: Pathogenic for Glycogen storage disease type III. Last evaluated: 2025-06-14. Review status: criteria provided, single submitter. Criteria: Invitae Variant Classification Sherloc (09022015). Collection method: clinical testing. Allele origin: germline.
Comment: This sequence change creates a premature translational stop signal (p.Tyr1148*) in the AGL gene. It is expected to result in an absent or disrupted protein product. Loss-of-function variants in AGL are known to be pathogenic (PMID: 19299494). This variant is present in population databases (rs776977863, gnomAD 0.0009%). This premature translational stop signal has been observed in individual(s) with glycogen storage disease (PMID: 22089644). ClinVar contains an entry for this variant (Variation ID: 655389). Algorithms developed to predict the effect of sequence changes on RNA splicing suggest that this variant may disrupt the consensus splice site. For these reasons, this variant has been classified as Pathogenic.

GeneDx
Classification: Pathogenic. Last evaluated: 2023-09-29. Review status: criteria provided, single submitter. Criteria: GeneDx Variant Classification Process June 2021. Collection method: clinical testing. Allele origin: germline. Affected: yes.
Comment: Nonsense variant predicted to result in protein truncation or nonsense mediated decay in a gene for which loss of function is a known mechanism of disease; Not observed at significant frequency in large population cohorts (gnomAD); This variant is associated with the following publications: (PMID: 22089644, 32191290, 26913919)

Genome-Nilou Lab
Classification: Pathogenic for Glycogen storage disease type III. Last evaluated: 2023-04-11. Review status: criteria provided, single submitter. Criteria: ACMG Guidelines, 2015. Collection method: clinical testing. Allele origin: germline. Affected: no.

Women's Health and Genetics/Laboratory Corporation of America, LabCorp
Classification: Pathogenic for Glycogen storage disease type III. Last evaluated: 2021-12-30. Review status: criteria provided, single submitter. Criteria: LabCorp Variant Classification Summary - May 2015. Collection method: clinical testing. Allele origin: germline.
Comment: Variant summary: AGL c.3444C>A (p.Tyr1148X) results in a premature termination codon, predicted to cause a truncation of the encoded protein or absence of the protein due to nonsense mediated decay, which are commonly known mechanisms for disease. The variant allele was found at a frequency of 4e-06 in 251490 control chromosomes (gnomAD). c.3444C>A has been reported in the literature in homozygous and compound heterozygous individuals affected with Glycogen Storage Disease Type III (Mili_2012, Vega_2016). These data indicate that the variant is likely to be associated with disease. One of these publications reported leukocyte enzyme activities in two homozygous patients, and demonstrated lack of activity (Mili 2012). One clinical diagnostic laboratory has submitted clinical-significance assessments for this variant to ClinVar after 2014, classified the variant as pathogenic. Based on the evidence outlined above, the variant was classified as pathogenic.

Literature cited by the submitters: PubMed 26913919 (cited by Natera, Inc. and Women's Health and Genetics/Laboratory Corporation of America, LabCorp); PubMed 19299494 (cited by Labcorp Genetics (formerly Invitae), Labcorp); PubMed 22089644 (cited by Labcorp Genetics (formerly Invitae), Labcorp and Women's Health and Genetics/Laboratory Corporation of America, LabCorp).

NM_000642.3(AGL):c.3444C>A (p.Tyr1148Ter)

Gene: AGL (amylo-alpha-1,6-glucosidase and 4-alpha-glucanotransferase; plus strand). Cytogenetic location: 1p21.2.
Variant type: single nucleotide variant.
Coding change: c.3444C>A on transcript NM_000642.3 (MANE Select); coding-DNA position 3444, C replaced by A.
Protein change: p.Tyr1148Ter; replaces tyrosine 1148 with a stop codon.
Molecular consequence: nonsense.
Genome position (GRCh38, 1-based): chr1:99,900,717, C>A. VCF-style: chr1-99900717-C-A. GRCh37 (hg19) VCF-style: chr1-100366273-C-A.
Other names: c.3444C>A, p.Tyr1148Ter (NM_000028.3, NM_000643.3, NM_000644.3 and 1 more transcripts); c.3396C>A, p.Tyr1132Ter (NM_000646.3); c.3423C>A, p.Tyr1141Ter (NM_001425326.1); c.3243C>A, p.Tyr1081Ter (NM_001425327.1); c.3240C>A, p.Tyr1080Ter (NM_001425328.1); c.3105C>A, p.Tyr1035Ter (NM_001425329.1); c.3066C>A, p.Tyr1022Ter (NM_001425332.1); short protein forms Y1148*, Y1132*, Y1022*, Y1035*, Y1080*, Y1081*, Y1141*.
Identifiers: ClinVar variation 655389 (VCV000655389.12), dbSNP rs776977863, ClinGen allele CA967081.